The following is an entry in ClinVar:

ClinVar aggregate classification (germline): Conflicting classifications of pathogenicity. Review status: criteria provided, conflicting classifications (1 of 4 stars). 7 submissions from 7 submitters: Likely pathogenic (1); Uncertain significance (4). 2 of the submissions do not count toward it. Last evaluated 2025-03-13.

Conditions:
Dyskeratosis congenita, autosomal dominant 2. Identifiers: MedGen C3151443, MONDO:0013521, OMIM 613989.
Idiopathic Pulmonary Fibrosis. Also called: Idiopathic fibrosing alveolitis, chronic form; idiopathic fibrosing alveolitis. Identifiers: Orphanet 2032, MedGen C1800706, MeSH D054990, MONDO:0800504.
Autosomal recessive dyskeratosis congenita 4. Identifiers: MedGen C3151444, MONDO:0027353.
Dyskeratosis congenita. Identifiers: Orphanet 1775, MedGen C0265965, MONDO:0015780.
Dyskeratosis congenita, autosomal recessive 1. Identifiers: Orphanet 1775, MedGen C1857144, MONDO:0009136, OMIM 224230.

Allele frequency attached by ClinVar (database versions not stated): gnomAD 0.00001; TOPMed 0.00002.
gnomAD v4.1: 4 of 1,613,048 alleles (0.00025%); highest among the groups gnomAD compares: Non-Finnish European, 0.00034%; no homozygotes.

Submissions (7):

Ambry Genetics
Classification: Uncertain significance for Dyskeratosis congenita. Last evaluated: 2025-03-13. Review status: criteria provided, single submitter. Criteria: Ambry Variant Classification Scheme 2023. Collection method: clinical testing. Allele origin: germline.
Comment: The p.R811C variant (also known as c.2431C>T), located in coding exon 8 of the TERT gene, results from a C to T substitution at nucleotide position 2431. The arginine at codon 811 is replaced by cysteine, an amino acid with highly dissimilar properties. This variant has been reported in the homozygous state in an individual with features of TERT-related disorders including abnormal skin pigmentation, tongue leukoplakia, nail dystrophy, and tri-lineage bone marrow failure (Marrone A et al. Blood, 2007 Dec;110:4198-205). Functional studies suggest this variant may affect TERT function, however, additional evidence is needed to confirm these findings (Marrone A et al. Blood, 2007 Dec;110:4198-205; Chu TW et al. J Biol Chem, 2016 Apr;291:8374-86). This amino acid position is not well conserved in available vertebrate species. In addition, this alteration is predicted to be deleterious by in silico analysis. Based on the available evidence, the clinical significance of this variant remains unclear.

Women's Health and Genetics/Laboratory Corporation of America, LabCorp
Classification: Uncertain significance. Last evaluated: 2024-12-23. Review status: criteria provided, single submitter. Criteria: LabCorp Variant Classification Summary - May 2015. Collection method: clinical testing. Allele origin: germline.
Comment: Variant summary: TERT c.2431C>T (p.Arg811Cys) results in a non-conservative amino acid change located in the Reverse transcriptase (RT) catalytic domain (IPR000477) of the encoded protein sequence. Five of five in-silico tools predict a damaging effect of the variant on protein function. The frequency data for this variant in gnomAD is considered unreliable, as metrics indicate poor data quality at this position. c.2431C>T has been reported in the literature in at least 1 individual affected with Dyskeratosis congenita (example, Marrone_2007) without strong evidence for causality. These report(s) do not provide unequivocal conclusions about association of the variant with Dyskeratosis congenita. At least one publication reports experimental evidence evaluating an impact on protein function. The most pronounced variant effect results in 30%-50% of normal activity in vitro (Marrone_2007). The following publications have been ascertained in the context of this evaluation (PMID: 26887940, 17785587). ClinVar contains an entry for this variant (Variation ID: 29900). Based on the evidence outlined above, the variant was classified as VUS-possibly pathogenic.

Labcorp Genetics (formerly Invitae), Labcorp
Classification: Uncertain significance for Dyskeratosis congenita, autosomal dominant 2; Idiopathic Pulmonary Fibrosis. Last evaluated: 2024-06-26. Review status: criteria provided, single submitter. Criteria: Invitae Variant Classification Sherloc (09022015). Collection method: clinical testing. Allele origin: germline.
Comment: This sequence change replaces arginine, which is basic and polar, with cysteine, which is neutral and slightly polar, at codon 811 of the TERT protein (p.Arg811Cys). This variant is present in population databases (rs199422301, gnomAD 0.0008%). This missense change has been observed in individual(s) with dyskeratosis congenita in the homozygous state and/or familial pulmonary fibrosis in the heterozygous state (PMID: 17785587, 28192371). ClinVar contains an entry for this variant (Variation ID: 29900). Advanced modeling of protein sequence and biophysical properties (such as structural, functional, and spatial information, amino acid conservation, physicochemical variation, residue mobility, and thermodynamic stability) performed at Invitae indicates that this missense variant is expected to disrupt TERT protein function with a positive predictive value of 95%. Experimental studies have shown that this missense change affects TERT function (PMID: 17785587, 26887940). In summary, the available evidence is currently insufficient to determine the role of this variant in disease. Therefore, it has been classified as a Variant of Uncertain Significance.

3billion
Classification: Uncertain significance for Dyskeratosis congenita, autosomal dominant 2. Last evaluated: 2022-03-22. Review status: criteria provided, single submitter. Criteria: ACMG Guidelines, 2015. Collection method: clinical testing. Allele origin: germline. Affected: yes. Observed: 1 homozygote.
Comment: The variant is observed at an extremely low frequency in the gnomAD v2.1.1 dataset (total allele frequency: 0.000004). A missense variant is a common mechanism. Therefore, this variant is classified as uncertain significance according to the recommendation of ACMG/AMP guideline.

GeneDx
Classification: Likely pathogenic. Last evaluated: 2021-08-11. Review status: criteria provided, single submitter. Criteria: GeneDx Variant Classification Process June 2021. Collection method: clinical testing. Allele origin: germline. Affected: yes.
Comment: Published functional studies demonstrate a damaging effect as this variant was defective in binding to telomeres, resulting in uncapping and higher apoptosis, and showing a 50% reduction in telomerase activity in transfected cells (Chu et al., 2016; Marrone et al., 2007).; In silico analysis supports that this missense variant has a deleterious effect on protein structure/function; This variant is associated with the following publications: (PMID: 17785587, 26887940, 23538340, 23716176, 29691679, 26581521, 20301779, 28192371)

OMIM
Classification: Pathogenic for DYSKERATOSIS CONGENITA, AUTOSOMAL RECESSIVE 4. Last evaluated: 2007-12-15. Review status: no assertion criteria provided. Collection method: literature only. Allele origin: germline. Not counted in ClinVar's aggregate classification.

GeneReviews
No classification provided. Condition: Dyskeratosis congenita, autosomal recessive 1. Review status: no classification provided. Collection method: literature only. Allele origin: unknown. Not counted in ClinVar's aggregate classification.

Literature cited by the submitters: PubMed 17785587 (cited by 5 submitters); PubMed 26887940 (cited by 3 submitters); PubMed 28192371 (cited by Labcorp Genetics (formerly Invitae), Labcorp and 3billion); PubMed 20301779 (cited by GeneReviews); NCBI Bookshelf NBK22301 (cited by GeneReviews).

NM_198253.3(TERT):c.2431C>T (p.Arg811Cys)

Gene: TERT (telomerase reverse transcriptase; minus strand). Cytogenetic location: 5p15.33.
Variant type: single nucleotide variant.
Coding change: c.2431C>T on transcript NM_198253.3 (MANE Select); coding-DNA position 2431, C replaced by T.
Protein change: p.Arg811Cys; replaces arginine 811 with cysteine.
Molecular consequence: missense variant.
Genome position (GRCh38, 1-based): chr5:1,271,156, G>A on the plus strand (C>T on the coding strand, the complement: TERT is on the minus strand). VCF-style: chr5-1271156-G-A. GRCh37 (hg19) VCF-style: chr5-1271271-G-A.
Other names: c.2431C>T, p.Arg811Cys (NM_001193376.3); short protein forms R811C.
Identifiers: ClinVar variation 29900 (VCV000029900.16), dbSNP rs199422301, ClinGen allele CA128727.